The following is an entry in ClinVar:

ClinVar aggregate classification (germline): Uncertain significance. Review status: criteria provided, multiple submitters, no conflicts (2 of 4 stars). 2 submissions from 2 submitters: Uncertain significance (2). Last evaluated 2026-08-03.

Conditions:
MYO18B-related disorder. Also called: MYO18B-related condition.

Allele frequency attached by ClinVar (database versions not stated): ESP Exome Variant Server 0.00008; gnomAD exomes 0.00016 and 0.00017; ExAC 0.00017.
gnomAD v4.1: 285 of 1,613,736 alleles (0.018%); highest among the groups gnomAD compares: Non-Finnish European, 0.019%; 1 homozygote.

Submissions (2):

PreventionGenetics, part of Exact Sciences
Classification: Uncertain significance for MYO18B-related condition. Last evaluated: 2026-08-03. Review status: criteria provided, single submitter. Criteria: ACMG Guidelines, 2015. Collection method: clinical testing. Allele origin: germline.
Comment: The MYO18B c.6593G>A variant is predicted to result in the amino acid substitution p.Arg2198His. To our knowledge, this variant has not been reported in the literature. This variant is reported in 0.14% of alleles in individuals of Ashkenazi Jewish descent in gnomAD. Although we suspect that this variant may be benign, at this time, the clinical significance of this variant is uncertain due to the absence of conclusive functional and genetic evidence.

Labcorp Genetics (formerly Invitae), Labcorp
Classification: Uncertain significance. Last evaluated: 2024-12-30. Review status: criteria provided, single submitter. Criteria: Invitae Variant Classification Sherloc (09022015). Collection method: clinical testing. Allele origin: germline.
Comment: This sequence change replaces arginine, which is basic and polar, with histidine, which is basic and polar, at codon 2198 of the MYO18B protein (p.Arg2198His). This variant is present in population databases (rs376158747, gnomAD 0.1%). This variant has not been reported in the literature in individuals affected with MYO18B-related conditions. ClinVar contains an entry for this variant (Variation ID: 1410909). An algorithm developed to predict the effect of missense changes on protein structure and function outputs the following: PolyPhen-2: "Benign". The histidine amino acid residue is found in multiple mammalian species, which suggests that this missense change does not adversely affect protein function. In summary, the available evidence is currently insufficient to determine the role of this variant in disease. Therefore, it has been classified as a Variant of Uncertain Significance.

NM_032608.7(MYO18B):c.6593G>A (p.Arg2198His)

Gene: MYO18B (myosin XVIIIB; plus strand). Cytogenetic location: 22q12.1.
Variant type: single nucleotide variant.
Coding change: c.6593G>A on transcript NM_032608.7 (MANE Select); coding-DNA position 6593, G replaced by A.
Protein change: p.Arg2198His; replaces arginine 2198 with histidine.
Molecular consequence: missense variant.
Genome position (GRCh38, 1-based): chr22:26,026,567, G>A. VCF-style: chr22-26026567-G-A. GRCh37 (hg19) VCF-style: chr22-26422533-G-A.
Other names: c.6593G>A (NM_032608.6); c.6596G>A, p.Arg2199His (NM_001318245.2); short protein forms R2198H, R2199H.
Identifiers: ClinVar variation 1410909 (VCV001410909.5), dbSNP rs376158747, ClinGen allele CA10161568.
Genomic context (GRCh38, chr22:26,026,567, plus strand): 5'-GGTCCACCAATGTCCACAGCAAGACCTCAGGAGACAAGCCTGTTTCTCCCCACTTTGTCC[G>A]CCGGCAAAAGTACTGTCATTTTGGGGACGGCGAAGTGCTTGCCGTCCAGAGAAAGTCCAC-3'
Protein context (NP_115997.5, residues 2188-2208): GDKPVSPHFV[Arg2198His]RQKYCHFGDG